The following is an entry in ClinVar:

NM_152703.5(SAMD9L):c.55G>A (p.Val19Met)

Gene: SAMD9L (sterile alpha motif domain containing 9 like; minus strand). Cytogenetic location: 7q21.2.
Variant type: single nucleotide variant.
Coding change: c.55G>A on transcript NM_152703.5 (MANE Select); coding-DNA position 55, G replaced by A.
Protein change: p.Val19Met; replaces valine 19 with methionine.
Molecular consequence: missense variant.
Genome position (GRCh38, 1-based): chr7:93,135,917, C>T on the plus strand (G>A on the coding strand, the complement: SAMD9L is on the minus strand). VCF-style: chr7-93135917-C-T. GRCh37 (hg19) VCF-style: chr7-92765230-C-T.
Other names: c.55G>A, p.Val19Met (NM_001303496.3, NM_001303497.3, NM_001303498.3 and 5 more transcripts); short protein forms V19M.
Identifiers: ClinVar variation 3371039 (VCV003371039.1).

ClinVar aggregate classification (germline): Uncertain significance (1 of 4 stars; one submission).

Submission:

GeneDx
Classification: Uncertain significance. Last evaluated: 2024-03-14. Review status: criteria provided, single submitter. Criteria: GeneDx Variant Classification Process June 2021. Collection method: clinical testing. Allele origin: germline. Affected: yes.
Comment: Not observed at significant frequency in large population cohorts (gnomAD); In silico analysis supports that this missense variant has a deleterious effect on protein structure/function; Has not been previously published as pathogenic or benign to our knowledge